The following is an entry in ClinVar:

ClinVar aggregate classification (germline): Uncertain significance. Review status: criteria provided, multiple submitters, no conflicts (2 of 4 stars). 2 submissions from 2 submitters: Uncertain significance (2). Last evaluated 2022-08-16.

Conditions:
Cardiovascular phenotype. Identifiers: MedGen CN230736.
Dilated cardiomyopathy 1DD (CMD1DD). Identifiers: Orphanet 154, MedGen C2750995, MONDO:0013168, OMIM 613172.

gnomAD v4.1: 1 of 1,526,992 alleles (0.000065%); no homozygotes.

Submissions (2):

Ambry Genetics
Classification: Uncertain significance for Cardiovascular phenotype. Last evaluated: 2022-08-16. Review status: criteria provided, single submitter. Criteria: Ambry Variant Classification Scheme 2023. Collection method: clinical testing. Allele origin: germline.
Comment: The p.P35R variant (also known as c.104C>G), located in coding exon 1 of the RBM20 gene, results from a C to G substitution at nucleotide position 104. The proline at codon 35 is replaced by arginine, an amino acid with dissimilar properties. This amino acid position is conserved. In addition, the in silico prediction for this alteration is inconclusive. Since supporting evidence is limited at this time, the clinical significance of this alteration remains unclear.

Labcorp Genetics (formerly Invitae), Labcorp
Classification: Uncertain significance for Dilated cardiomyopathy 1DD. Last evaluated: 2021-11-04. Review status: criteria provided, single submitter. Criteria: Invitae Variant Classification Sherloc (09022015). Collection method: clinical testing. Allele origin: germline.
Comment: This sequence change replaces proline, which is neutral and non-polar, with arginine, which is basic and polar, at codon 35 of the RBM20 protein (p.Pro35Arg). This variant is not present in population databases (gnomAD no frequency). This variant has not been reported in the literature in individuals affected with RBM20-related conditions. Advanced modeling of protein sequence and biophysical properties (such as structural, functional, and spatial information, amino acid conservation, physicochemical variation, residue mobility, and thermodynamic stability) performed at Invitae indicates that this missense variant is not expected to disrupt RBM20 protein function. In summary, the available evidence is currently insufficient to determine the role of this variant in disease. Therefore, it has been classified as a Variant of Uncertain Significance.

NM_001134363.3(RBM20):c.104C>G (p.Pro35Arg)

Gene: RBM20 (RNA binding motif protein 20; plus strand). Cytogenetic location: 10q25.2.
Variant type: single nucleotide variant.
Coding change: c.104C>G on transcript NM_001134363.3 (MANE Select); coding-DNA position 104, C replaced by G.
Protein change: p.Pro35Arg; replaces proline 35 with arginine.
Molecular consequence: missense variant.
Genome position (GRCh38, 1-based): chr10:110,644,558, C>G. VCF-style: chr10-110644558-C-G. GRCh37 (hg19) VCF-style: chr10-112404316-C-G.
Other names: short protein forms P35R.
Identifiers: ClinVar variation 1424457 (VCV001424457.5), dbSNP rs2134792790, ClinGen allele CA378527676.